The following is an entry in ClinVar:

NM_006164.5(NFE2L2):c.925C>G (p.Leu309Val)

Gene: NFE2L2 (NFE2 like bZIP transcription factor 2; minus strand). Cytogenetic location: 2q31.2.
Variant type: single nucleotide variant.
Coding change: c.925C>G on transcript NM_006164.5 (MANE Select); coding-DNA position 925, C replaced by G.
Protein change: p.Leu309Val; replaces leucine 309 with valine.
Molecular consequence: missense variant.
Genome position (GRCh38, 1-based): chr2:177,231,678, G>C on the plus strand (C>G on the coding strand, the complement: NFE2L2 is on the minus strand). VCF-style: chr2-177231678-G-C. GRCh37 (hg19) VCF-style: chr2-178096406-G-C.
Other names: c.877C>G, p.Leu293Val (NM_001145412.3, NM_001313900.1, NM_001313901.1); c.856C>G, p.Leu286Val (NM_001145413.3); c.835C>G, p.Leu279Val (NM_001313902.2); c.706C>G, p.Leu236Val (NM_001313903.2); c.625C>G, p.Leu209Val (NM_001313904.1); short protein forms L286V, L293V, L209V, L236V, L279V, L309V.
Identifiers: ClinVar variation 2778014 (VCV002778014.3), dbSNP rs141363120, ClinGen allele CA1979773.
Genomic context (GRCh38, chr2:177,231,678, plus strand): 5'-TGAAAGCTTTGCAAAGTGATAGATCAGAAACATCAATGGGCCCATTTAGAAGTTCAGAGA[G>C]TGAATGGCTTAAAGTAGCAGGTGAGGGCATGCTGTTGCTGATACTGGGCTCAGCTATGAA-3'
Protein context (NP_006155.2, residues 299-319): MPSPATLSHS[Leu309Val]SELLNGPIDV

ClinVar aggregate classification (germline): Uncertain significance (1 of 4 stars; one submission).

gnomAD v4.1: 46 of 1,614,076 alleles (0.0028%); highest among the groups gnomAD compares: Non-Finnish European, 0.0038%; no homozygotes.

Submission:

Labcorp Genetics (formerly Invitae), Labcorp
Classification: Uncertain significance. Last evaluated: 2023-05-20. Review status: criteria provided, single submitter. Criteria: Invitae Variant Classification Sherloc (09022015). Collection method: clinical testing. Allele origin: germline.
Comment: This variant is present in population databases (rs141363120, gnomAD 0.003%). This sequence change replaces leucine, which is neutral and non-polar, with valine, which is neutral and non-polar, at codon 309 of the NFE2L2 protein (p.Leu309Val). In summary, the available evidence is currently insufficient to determine the role of this variant in disease. Therefore, it has been classified as a Variant of Uncertain Significance. Advanced modeling of protein sequence and biophysical properties (such as structural, functional, and spatial information, amino acid conservation, physicochemical variation, residue mobility, and thermodynamic stability) performed at Invitae indicates that this missense variant is not expected to disrupt NFE2L2 protein function. This variant has not been reported in the literature in individuals affected with NFE2L2-related conditions.